The following is an entry in ClinVar:

ClinVar aggregate classification (germline): Pathogenic (1 of 4 stars; one submission).

Submission:

Labcorp Genetics (formerly Invitae), Labcorp
Classification: Pathogenic. Last evaluated: 2023-08-11. Review status: criteria provided, single submitter. Criteria: Invitae Variant Classification Sherloc (09022015). Collection method: clinical testing. Allele origin: germline.
Comment: This sequence change creates a premature translational stop signal (p.Arg1061Glufs*10) in the MSH3 gene. It is expected to result in an absent or disrupted protein product. Loss-of-function variants in MSH3 are known to be pathogenic (PMID: 27476653, 37402566). This variant is not present in population databases (gnomAD no frequency). This variant has not been reported in the literature in individuals affected with MSH3-related conditions. For these reasons, this variant has been classified as Pathogenic.

Literature cited by the submitters: PubMed 27476653; PubMed 37402566.

NM_002439.5(MSH3):c.3181del (p.Arg1061fs)

Gene: MSH3 (mutS homolog 3; plus strand). Cytogenetic location: 5q14.1.
Variant type: Deletion.
Coding change: c.3181del on transcript NM_002439.5 (MANE Select); coding-DNA position 3181, one base deleted (A; older notation c.3181delA).
Protein change: p.Arg1061fs; shifts the reading frame from arginine 1061.
Molecular consequence: frameshift variant.
Genome position (GRCh38, 1-based): chr5:80,873,166, A deleted. VCF-style (leftmost placement, unchanged base first): chr5-80873165-TA-T. GRCh37 (hg19) VCF-style: chr5-80168984-TA-T.
Other names: short protein forms R1061fs.
Identifiers: ClinVar variation 2871909 (VCV002871909.3), dbSNP rs2478805008, ClinGen allele CA2739274799.